The following is an entry in ClinVar:

NM_000152.5(GAA):c.2732C>T (p.Thr911Met)

Gene: GAA (alpha glucosidase; plus strand). Cytogenetic location: 17q25.3.
Variant type: single nucleotide variant.
Coding change: c.2732C>T on transcript NM_000152.5 (MANE Select); coding-DNA position 2732, C replaced by T.
Protein change: p.Thr911Met; replaces threonine 911 with methionine.
Molecular consequence: missense variant.
Genome position (GRCh38, 1-based): chr17:80,118,738, C>T. VCF-style: chr17-80118738-C-T. GRCh37 (hg19) VCF-style: chr17-78092537-C-T.
Other names: c.2732C>T (LRG_673t1); c.2732C>T, p.Thr911Met (NM_001079803.3, NM_001079804.3); short protein forms T911M.
Identifiers: ClinVar variation 526515 (VCV000526515.12), dbSNP rs1027032995, ClinGen allele CA294858598.

ClinVar aggregate classification (germline): Uncertain significance. Review status: criteria provided, multiple submitters, no conflicts (2 of 4 stars). 3 submissions from 3 submitters: Uncertain significance (2). 1 of the submissions does not count toward it. Last evaluated 2026-01-14.

Conditions:
Cardiovascular phenotype. Identifiers: MedGen CN230736.
Glycogen storage disease, type II (IOPD). Also called: CARDIOMEGALIA GLYCOGENICA DIFFUSA; GLYCOGENOSIS, GENERALIZED, CARDIAC FORM; GSD II; POMPE DISEASE, INFANTILE-ONSET; GLYCOGEN STORAGE DISEASE II, INFANTILE-ONSET; ACID ALPHA-GLUCOSIDASE DEFICIENCY, INFANTILE-ONSET. Identifiers: Orphanet 365, MedGen C0017921, MONDO:0009290, OMIM 232300.

Allele frequency attached by ClinVar (database versions not stated): TOPMed below 0.00001; gnomAD exomes 0.00001.
gnomAD v4.1: 12 of 1,613,370 alleles (0.00074%); highest among the groups gnomAD compares: Middle Eastern, 0.033%; no homozygotes.

Submissions (3):

Labcorp Genetics (formerly Invitae), Labcorp
Classification: Uncertain significance for Glycogen storage disease, type II. Last evaluated: 2026-01-14. Review status: criteria provided, single submitter. Criteria: Invitae Variant Classification Sherloc (09022015). Collection method: clinical testing. Allele origin: germline.
Comment: This sequence change replaces threonine, which is neutral and polar, with methionine, which is neutral and non-polar, at codon 911 of the GAA protein (p.Thr911Met). This variant is not present in population databases (gnomAD no frequency). This variant has not been reported in the literature in individuals affected with GAA-related conditions. ClinVar contains an entry for this variant (Variation ID: 526515). Invitae Evidence Modeling of protein sequence and biophysical properties (such as structural, functional, and spatial information, amino acid conservation, physicochemical variation, residue mobility, and thermodynamic stability) indicates that this missense variant is not expected to disrupt GAA protein function with a negative predictive value of 95%. In summary, the available evidence is currently insufficient to determine the role of this variant in disease. Therefore, it has been classified as a Variant of Uncertain Significance.

Ambry Genetics
Classification: Uncertain significance for Cardiovascular phenotype. Last evaluated: 2024-10-19. Review status: criteria provided, single submitter. Criteria: Ambry Variant Classification Scheme 2023. Collection method: clinical testing. Allele origin: germline.

Natera, Inc.
Classification: Uncertain significance for Glycogen storage disease type II. Last evaluated: 2020-10-01. Review status: no assertion criteria provided. Collection method: clinical testing. Allele origin: germline. Not counted in ClinVar's aggregate classification.